The following is an entry in ClinVar:

ClinVar aggregate classification (germline): Uncertain significance (1 of 4 stars; one submission).

Conditions:
Autosomal dominant nocturnal frontal lobe epilepsy 5. Also called: CILIARY DYSKINESIA, PRIMARY, 28, WITHOUT SITUS INVERSUS; KCNT1-Related Epilepsy; CILIARY DYSKINESIA, PRIMARY, 28, WITH SITUS INVERSUS; Epilepsy, nocturnal frontal lobe, 5. Identifiers: Orphanet 98784, MedGen C3554306, MONDO:0014002, OMIM 615005.
Developmental and epileptic encephalopathy, 14 (DEE14). Also called: Early infantile epileptic encephalopathy 14. Identifiers: Orphanet 293181, MedGen C3554195, MONDO:0013989, OMIM 614959.

Allele frequency attached by ClinVar (database versions not stated): gnomAD exomes below 0.00001; TOPMed below 0.00001; gnomAD 0.00001.
gnomAD v4.1: 4 of 1,486,510 alleles (0.00027%); highest among the groups gnomAD compares: Non-Finnish European, 0.00036%; no homozygotes.

Submission:

Labcorp Genetics (formerly Invitae), Labcorp
Classification: Uncertain significance for Autosomal dominant nocturnal frontal lobe epilepsy 5; Developmental and epileptic encephalopathy, 14. Last evaluated: 2019-05-27. Review status: criteria provided, single submitter. Criteria: Invitae Variant Classification Sherloc (09022015). Collection method: clinical testing. Allele origin: germline.
Comment: In summary, the available evidence is currently insufficient to determine the role of this variant in disease. Therefore, it has been classified as a Variant of Uncertain Significance. This sequence change replaces glycine with serine at codon 690 of the KCNT1 protein (p.Gly690Ser). The glycine residue is weakly conserved and there is a small physicochemical difference between glycine and serine. The frequency data for this variant in the population databases is considered unreliable, as metrics indicate insufficient coverage at this position in the ExAC database. This variant has not been reported in the literature in individuals with KCNT1-related conditions. Algorithms developed to predict the effect of missense changes on protein structure and function output the following: SIFT: "Tolerated"; PolyPhen-2: "Benign"; Align-GVGD: "Class C0". The serine amino acid residue is found in multiple mammalian species, suggesting that this missense change does not adversely affect protein function. These predictions have not been confirmed by published functional studies and their clinical significance is uncertain.

NM_020822.3(KCNT1):c.2068G>A (p.Gly690Ser)

Gene: KCNT1 (potassium sodium-activated channel subfamily T member 1; plus strand). Cytogenetic location: 9q34.3.
Variant type: single nucleotide variant.
Coding change: c.2068G>A on transcript NM_020822.3 (MANE Select); coding-DNA position 2068, G replaced by A.
Protein change: p.Gly690Ser; replaces glycine 690 with serine.
Molecular consequence: missense variant.
Genome position (GRCh38, 1-based): chr9:135,772,774, G>A. VCF-style: chr9-135772774-G-A. GRCh37 (hg19) VCF-style: chr9-138664620-G-A.
Other names: c.1933G>A, p.Gly645Ser (NM_001272003.2); short protein forms G645S, G690S.
Identifiers: ClinVar variation 842952 (VCV000842952.10), dbSNP rs1410497158, ClinGen allele CA375510214.